The following is an entry in ClinVar:

NM_005215.4(DCC):c.1912-4A>C

Gene: DCC (DCC netrin 1 receptor; plus strand). Cytogenetic location: 18q21.2.
Variant type: single nucleotide variant.
Coding change: c.1912-4A>C on transcript NM_005215.4 (MANE Select); 4 bases into the intron before coding-DNA position 1912, A replaced by C.
Molecular consequence: intron variant.
Genome position (GRCh38, 1-based): chr18:53,305,574, A>C. VCF-style: chr18-53305574-A-C. GRCh37 (hg19) VCF-style: chr18-50831944-A-C.
Identifiers: ClinVar variation 4985527 (VCV004985527.1).
Genomic context (GRCh38, chr18:53,305,574, plus strand): 5'-CTTTGACCCTGTCCCATTGTCCTTTCTTTCTTCAATGTTTTAATTTACACCTATTATTTT[A>C]CAGAGTATCAAAGTTAGCTGGCTGCCTCCTCCATCAGGAACACAAAATGGATTTATTACC-3'

ClinVar aggregate classification (germline): Likely benign (1 of 4 stars; one submission).

Conditions:
DCC-related disorder. Also called: DCC-related condition.

gnomAD v4.1: 11 of 1,607,884 alleles (0.00068%); highest among the groups gnomAD compares: South Asian, 0.011%; no homozygotes.

Submission:

PreventionGenetics, part of Exact Sciences
Classification: Likely benign for DCC-related condition. Last evaluated: 2024-10-22. Review status: criteria provided, single submitter. Criteria: ACMG Guidelines, 2015. Collection method: clinical testing. Allele origin: germline.
Comment: This variant is classified as likely benign based on ACMG/AMP sequence variant interpretation guidelines (Richards et al. 2015 PMID: 25741868, with internal and published modifications).